The following is an entry in ClinVar:

NM_178857.6(RP1L1):c.1460C>T (p.Ala487Val)

Gene: RP1L1 (RP1 like 1). Cytogenetic location: 8p23.1.
Variant type: single nucleotide variant.
Coding change: c.1460C>T on transcript NM_178857.6 (MANE Select); coding-DNA position 1460, C replaced by T.
Protein change: p.Ala487Val; replaces alanine 487 with valine.
Molecular consequence: missense variant.
Genome position (GRCh38, 1-based): chr8:10,612,638, G>A on the plus strand (C>T on the coding strand, the complement: RP1L1 is on the minus strand). VCF-style: chr8-10612638-G-A. GRCh37 (hg19) VCF-style: chr8-10470148-G-A.
Other names: short protein forms A487V.
Identifiers: ClinVar variation 361374 (VCV000361374.6), dbSNP rs74400517, ClinGen allele CA4625165.
Genomic context (GRCh38, chr8:10,612,638, plus strand): 5'-ATGCATAGGCCGGGGTCCTCACCCAGGCTCCCTCCAGCTTTCCGCTCAGCCCCTATCTGG[G>A]CAGAGGGGCTGGCACTGTCCACCCCGTCCTCCGGGGTCCTGGGGCAGCAGGAGGACTCTG-3'
Protein context (NP_849188.4, residues 477-497): EDGVDSASPS[Ala487Val]QIGAERKAGG

ClinVar aggregate classification (germline): Benign. Review status: criteria provided, multiple submitters, no conflicts (2 of 4 stars). 2 submissions from 2 submitters: Benign (2). Last evaluated 2018-01-13.

Conditions:
Occult macular dystrophy (OCMD). Also called: OMD; OCCULT MACULAR DYSTROPHY, SUSCEPTIBILITY TO. Identifiers: Orphanet 247834, MedGen C3150833, MONDO:0013316, OMIM 613587, HP:0030636.

Allele frequency attached by ClinVar (database versions not stated): 1000 Genomes Project 0.03814; 1000 Genomes Project 30x 0.03888; TOPMed 0.06433; gnomAD 0.06658 and 0.06746; gnomAD exomes 0.07393; ESP Exome Variant Server 0.07543; ExAC 0.07648.
gnomAD v4.1: 147,959 of 1,602,502 alleles (9.2%); highest among the groups gnomAD compares: Non-Finnish European, 11%; 7,663 homozygotes.

Submissions (2):

Illumina Laboratory Services, Illumina
Classification: Benign for Occult macular dystrophy. Last evaluated: 2018-01-13. Review status: criteria provided, single submitter. Criteria: ICSL Variant Classification Criteria 13 December 2019. Collection method: clinical testing. Allele origin: germline.
Comment: This variant was observed in the ICSL laboratory as part of a predisposition screen in an ostensibly healthy population. It had not been previously curated by ICSL or reported in the Human Gene Mutation Database (HGMD: prior to June 1st, 2018), and was therefore a candidate for classification through an automated scoring system. Utilizing variant allele frequency, disease prevalence and penetrance estimates, and inheritance mode, an automated score was calculated to assess if this variant is too frequent to cause the disease. Based on the score and internal cut-off values, a variant classified as benign is not then subjected to further curation. The score for this variant resulted in a classification of benign for this disease.

Breakthrough Genomics
Classification: Benign. Review status: criteria provided, single submitter. Criteria: ACMG Guidelines, 2015. Collection method: not provided. Allele origin: germline. Inheritance: Autosomal recessive inheritance. Affected: yes.